The following is an entry in ClinVar:

NM_002645.4(PIK3C2A):c.1910C>G (p.Pro637Arg)

Gene: PIK3C2A (phosphatidylinositol-4-phosphate 3-kinase catalytic subunit type 2 alpha; minus strand). Cytogenetic location: 11p15.1.
Variant type: single nucleotide variant.
Coding change: c.1910C>G on transcript NM_002645.4 (MANE Select); coding-DNA position 1910, C replaced by G.
Protein change: p.Pro637Arg; replaces proline 637 with arginine.
Molecular consequence: missense variant.
Genome position (GRCh38, 1-based): chr11:17,135,017, G>C on the plus strand (C>G on the coding strand, the complement: PIK3C2A is on the minus strand). VCF-style: chr11-17135017-G-C. GRCh37 (hg19) VCF-style: chr11-17156564-G-C.
Other names: c.1910C>G, p.Pro637Arg (NM_001321378.2, NM_001386870.1); c.770C>G, p.Pro257Arg (NM_001321380.2); short protein forms P257R, P637R.
Identifiers: ClinVar variation 2056923 (VCV002056923.4), dbSNP rs756529364, ClinGen allele CA5901214.

ClinVar aggregate classification (germline): Uncertain significance (1 of 4 stars; one submission).

Allele frequency attached by ClinVar (database versions not stated): gnomAD exomes below 0.00001; gnomAD 0.00001; ExAC 0.00002.
gnomAD v4.1: 2 of 1,613,578 alleles (0.00012%); highest among the groups gnomAD compares: Non-Finnish European, 0.00017%; no homozygotes.

Submission:

Labcorp Genetics (formerly Invitae), Labcorp
Classification: Uncertain significance. Last evaluated: 2022-08-23. Review status: criteria provided, single submitter. Criteria: Invitae Variant Classification Sherloc (09022015). Collection method: clinical testing. Allele origin: germline.
Comment: In summary, the available evidence is currently insufficient to determine the role of this variant in disease. Therefore, it has been classified as a Variant of Uncertain Significance. Algorithms developed to predict the effect of missense changes on protein structure and function are either unavailable or do not agree on the potential impact of this missense change (SIFT: "Not Available"; PolyPhen-2: "Benign"; Align-GVGD: "Not Available"). This variant has not been reported in the literature in individuals affected with PIK3C2A-related conditions. This variant is present in population databases (rs756529364, gnomAD 0.002%). This sequence change replaces proline, which is neutral and non-polar, with arginine, which is basic and polar, at codon 637 of the PIK3C2A protein (p.Pro637Arg).